The following is an entry in ClinVar:

ClinVar aggregate classification (germline): Uncertain significance (1 of 4 stars; one submission).

Conditions:
Cerebral creatine deficiency syndrome. Also called: Creatine deficiency syndromes. Identifiers: Orphanet 79172, MedGen C5244016, MONDO:0000456.

Submission:

Labcorp Genetics (formerly Invitae), Labcorp
Classification: Uncertain significance for Cerebral creatine deficiency syndrome. Last evaluated: 2021-11-23. Review status: criteria provided, single submitter. Criteria: Invitae Variant Classification Sherloc (09022015). Collection method: clinical testing. Allele origin: germline.
Comment: This sequence change creates a premature translational stop signal (p.Tyr223*) in the GAMT gene. While this is not anticipated to result in nonsense mediated decay, it is expected to disrupt the last 14 amino acid(s) of the GAMT protein. This variant is not present in population databases (gnomAD no frequency). This variant has not been reported in the literature in individuals affected with GAMT-related conditions. Algorithms developed to predict the effect of sequence changes on RNA splicing suggest that this variant may create or strengthen a splice site. In summary, the available evidence is currently insufficient to determine the role of this variant in disease. Therefore, it has been classified as a Variant of Uncertain Significance.

NM_000156.6(GAMT):c.669C>G (p.Tyr223Ter)

Gene: GAMT (guanidinoacetate N-methyltransferase; minus strand). Cytogenetic location: 19p13.3.
Variant type: single nucleotide variant.
Coding change: c.669C>G on transcript NM_000156.6 (MANE Select); coding-DNA position 669, C replaced by G.
Protein change: p.Tyr223Ter; replaces tyrosine 223 with a stop codon.
Molecular consequence: nonsense.
Genome position (GRCh38, 1-based): chr19:1,397,401, G>C on the plus strand (C>G on the coding strand, the complement: GAMT is on the minus strand). VCF-style: chr19-1397401-G-C. GRCh37 (hg19) VCF-style: chr19-1397400-G-C.
Other names: short protein forms Y223*.
Identifiers: ClinVar variation 1394775 (VCV001394775.3), dbSNP rs762954251, ClinGen allele CA402990424.